The following is an entry in ClinVar:

ClinVar aggregate classification (germline): Conflicting classifications of pathogenicity. Review status: criteria provided, conflicting classifications (1 of 4 stars). 2 submissions from 2 submitters: Uncertain significance (1); Likely benign (1). Last evaluated 2023-09-06.

Allele frequency attached by ClinVar (database versions not stated): gnomAD 0.00001; TOPMed 0.00002; gnomAD exomes 0.00004 and 0.00005; ExAC 0.00005.
gnomAD v4.1: 73 of 1,614,052 alleles (0.0045%); highest among the groups gnomAD compares: South Asian, 0.013%; no homozygotes.

Submissions (2):

Labcorp Genetics (formerly Invitae), Labcorp
Classification: Uncertain significance. Last evaluated: 2023-09-06. Review status: criteria provided, single submitter. Criteria: Invitae Variant Classification Sherloc (09022015). Collection method: clinical testing. Allele origin: germline.
Comment: This sequence change replaces proline, which is neutral and non-polar, with leucine, which is neutral and non-polar, at codon 426 of the ZNF341 protein (p.Pro426Leu). This variant is present in population databases (rs754548303, gnomAD 0.02%). This variant has not been reported in the literature in individuals affected with ZNF341-related conditions. ClinVar contains an entry for this variant (Variation ID: 1399374). Algorithms developed to predict the effect of missense changes on protein structure and function output the following: SIFT: "Not Available"; PolyPhen-2: "Benign"; Align-GVGD: "Not Available". The leucine amino acid residue is found in multiple mammalian species, which suggests that this missense change does not adversely affect protein function. In summary, the available evidence is currently insufficient to determine the role of this variant in disease. Therefore, it has been classified as a Variant of Uncertain Significance.

Ambry Genetics
Classification: Likely benign. Last evaluated: 2022-04-13. Review status: criteria provided, single submitter. Criteria: Ambry Variant Classification Scheme 2023. Collection method: clinical testing. Allele origin: germline.

NM_001282933.2(ZNF341):c.1298C>T (p.Pro433Leu)

Gene: ZNF341 (zinc finger protein 341; plus strand). Cytogenetic location: 20q11.22.
Variant type: single nucleotide variant.
Coding change: c.1298C>T on transcript NM_001282933.2 (MANE Select); coding-DNA position 1298, C replaced by T.
Protein change: p.Pro433Leu; replaces proline 433 with leucine.
Molecular consequence: missense variant. On other transcripts: non-coding transcript variant (1).
Genome position (GRCh38, 1-based): chr20:33,766,926, C>T. VCF-style: chr20-33766926-C-T. GRCh37 (hg19) VCF-style: chr20-32354732-C-T.
Other names: c.1028C>T, p.Pro343Leu (NM_001282935.2); c.1277C>T, p.Pro426Leu (NM_032819.5); c.1277C>T (NM_032819.3); short protein forms P343L, P433L, P426L.
Identifiers: ClinVar variation 1399374 (VCV001399374.5), dbSNP rs754548303, ClinGen allele CA9819411.